The following is an entry in ClinVar:

ClinVar aggregate classification (germline): Uncertain significance. Review status: criteria provided, multiple submitters, no conflicts (2 of 4 stars). 2 submissions from 2 submitters: Uncertain significance (2). Last evaluated 2024-11-21.

Conditions:
Renal cell carcinoma. Identifiers: Orphanet 217071, MedGen C0007134, MeSH D002292, MONDO:0005086, HP:0005584.
Hereditary cancer-predisposing syndrome. Also called: Hereditary Cancer Syndrome; Tumor predisposition; Hereditary neoplastic syndrome; Neoplastic Syndromes, Hereditary. Identifiers: Orphanet 140162, MedGen C0027672, MeSH D009386, MONDO:0015356.

Submissions (2):

Ambry Genetics
Classification: Uncertain significance for Hereditary cancer-predisposing syndrome. Last evaluated: 2024-11-21. Review status: criteria provided, single submitter. Criteria: Ambry Variant Classification Scheme 2023. Collection method: clinical testing. Allele origin: germline.
Comment: The p.L605P variant (also known as c.1814T>C), located in coding exon 5 of the MET gene, results from a T to C substitution at nucleotide position 1814. The leucine at codon 605 is replaced by proline, an amino acid with similar properties. This amino acid position is conserved. In addition, this alteration is predicted to be deleterious by in silico analysis. Based on the available evidence, the clinical significance of this variant remains unclear.

Labcorp Genetics (formerly Invitae), Labcorp
Classification: Uncertain significance for Renal cell carcinoma. Last evaluated: 2024-10-18. Review status: criteria provided, single submitter. Criteria: Invitae Variant Classification Sherloc (09022015). Collection method: clinical testing. Allele origin: germline.
Comment: This sequence change replaces leucine, which is neutral and non-polar, with proline, which is neutral and non-polar, at codon 605 of the MET protein (p.Leu605Pro). This variant is not present in population databases (gnomAD no frequency). This variant has not been reported in the literature in individuals affected with MET-related conditions. Invitae Evidence Modeling of protein sequence and biophysical properties (such as structural, functional, and spatial information, amino acid conservation, physicochemical variation, residue mobility, and thermodynamic stability) indicates that this missense variant is not expected to disrupt MET protein function with a negative predictive value of 80%. In summary, the available evidence is currently insufficient to determine the role of this variant in disease. Therefore, it has been classified as a Variant of Uncertain Significance.

NM_000245.4(MET):c.1814T>C (p.Leu605Pro)

Gene: MET (MET proto-oncogene, receptor tyrosine kinase; plus strand). Cytogenetic location: 7q31.2.
Variant type: single nucleotide variant.
Coding change: c.1814T>C on transcript NM_000245.4 (MANE Select); coding-DNA position 1814, T replaced by C.
Protein change: p.Leu605Pro; replaces leucine 605 with proline.
Molecular consequence: missense variant.
Genome position (GRCh38, 1-based): chr7:116,755,467, T>C. VCF-style: chr7-116755467-T-C. GRCh37 (hg19) VCF-style: chr7-116395521-T-C.
Other names: c.1814T>C, p.Leu605Pro (NM_001127500.3, NM_001324401.3); c.524T>C, p.Leu175Pro (NM_001324402.2); short protein forms L175P, L605P.
Identifiers: ClinVar variation 3395204 (VCV003395204.3).
Genomic context (GRCh38, chr7:116,755,467, plus strand): 5'-GCTGGGACTTTGGATTTCGGAGGAATAATAAATTTGATTTAAAGAAAACTAGAGTTCTCC[T>C]TGGAAATGAGAGCTGCACCTTGACTTTAAGTGAGAGCACGATGAATACGTAAGGATCTTA-3'
Protein context (NP_000236.2, residues 595-615): KFDLKKTRVL[Leu605Pro]GNESCTLTLS